The following is an entry in ClinVar:

ClinVar aggregate classification (germline): Uncertain significance (1 of 4 stars; one submission).

Allele frequency attached by ClinVar (database versions not stated): TOPMed 0.00001; ExAC 0.00002; gnomAD exomes 0.00004.
gnomAD v4.1: 62 of 1,612,448 alleles (0.0038%); highest among the groups gnomAD compares: South Asian, 0.012%; no homozygotes.

Submission:

Labcorp Genetics (formerly Invitae), Labcorp
Classification: Uncertain significance. Last evaluated: 2022-11-20. Review status: criteria provided, single submitter. Criteria: Invitae Variant Classification Sherloc (09022015). Collection method: clinical testing. Allele origin: germline.
Comment: In summary, the available evidence is currently insufficient to determine the role of this variant in disease. Therefore, it has been classified as a Variant of Uncertain Significance. Algorithms developed to predict the effect of missense changes on protein structure and function are either unavailable or do not agree on the potential impact of this missense change (SIFT: "Deleterious"; PolyPhen-2: "Probably Damaging"; Align-GVGD: "Class C0"). This variant has not been reported in the literature in individuals affected with DSCAML1-related conditions. This variant is present in population databases (rs752493281, gnomAD 0.01%). This sequence change replaces glutamic acid, which is acidic and polar, with lysine, which is basic and polar, at codon 1528 of the DSCAML1 protein (p.Glu1528Lys).

NM_020693.4(DSCAML1):c.4402G>A (p.Glu1468Lys)

Gene: DSCAML1 (DS cell adhesion molecule like 1; minus strand). Cytogenetic location: 11q23.3.
Variant type: single nucleotide variant.
Coding change: c.4402G>A on transcript NM_020693.4 (MANE Select); coding-DNA position 4402, G replaced by A.
Protein change: p.Glu1468Lys; replaces glutamic acid 1468 with lysine.
Molecular consequence: missense variant.
Genome position (GRCh38, 1-based): chr11:117,437,925, C>T on the plus strand (G>A on the coding strand, the complement: DSCAML1 is on the minus strand). VCF-style: chr11-117437925-C-T. GRCh37 (hg19) VCF-style: chr11-117308641-C-T.
Other names: short protein forms E1468K.
Identifiers: ClinVar variation 2970047 (VCV002970047.3), dbSNP rs752493281, ClinGen allele CA6296392.